The following is an entry in ClinVar:

NC_012920.1(MT-CYB):m.14792C>T

Gene: MT-CYB (mitochondrially encoded cytochrome b; plus strand).
Variant type: single nucleotide variant.
Genome position: chrM-14792-C-T.
Identifiers: ClinVar variation 693765 (VCV000693765.1), dbSNP rs1603224892, ClinGen allele CA913172101.

ClinVar aggregate classification (germline): Uncertain significance (1 of 4 stars; one submission).

Conditions:
Leigh syndrome (NULS). Also called: Leigh's necrotizing encephalopathy; Leigh's disease; Leigh's syndrome; LEIGH SYNDROME, NUCLEAR; Leigh Syndrome (mtDNA deletion); Leigh Disease. Identifiers: Orphanet 506, MedGen C2931891, MONDO:0009723, OMIM 256000.

Submission:

Wong Mito Lab, Molecular and Human Genetics, Baylor College of Medicine
Classification: Uncertain significance for Leigh syndrome. Last evaluated: 2019-10-17. Review status: criteria provided, single submitter. Criteria: Modified ACMG Guidelines (Unpublished). Collection method: clinical testing. Allele origin: germline.
Comment: The NC_012920.1:m.14792C>T (YP_003024038.1:p.His16Tyr) variant in MTCYB gene is interpretated to be a Uncertain Significance variant based on the modified ACMG guidelines (unpublished). This variant meets the following evidence codes: PP6, PP7, BP4